The following is an entry in ClinVar:

NM_000455.5(STK11):c.715_719dup (p.Ala241fs)

Gene: STK11 (serine/threonine kinase 11; plus strand). Cytogenetic location: 19p13.3.
Variant type: Duplication.
Coding change: c.715_719dup on transcript NM_000455.5 (MANE Select); coding-DNA positions 715 to 719, 5 bases duplicated (TGGTC; older notation c.715_719dupTGGTC).
Protein change: p.Ala241fs; shifts the reading frame from alanine 241.
Molecular consequence: frameshift variant. On other transcripts: non-coding transcript variant (1).
Genome position (GRCh38, 1-based): chr19:1,220,698-1,220,702, TGGTC duplicated; duplicating any 5 consecutive bases within chr19:1,220,696-1,220,702 gives the same sequence; the c. name uses the placement nearest the transcript's 3' end. VCF-style (leftmost placement, unchanged base first): chr19-1220695-A-ATCTGG. GRCh37 (hg19) VCF-style: chr19-1220694-A-ATCTGG.
Other names: c.715_719dup, p.Ala241fs (NM_001407255.1); short protein forms A241fs.
Identifiers: ClinVar variation 2809117 (VCV002809117.3), dbSNP rs2512943770, ClinGen allele CA2739276338.

ClinVar aggregate classification (germline): Pathogenic (1 of 4 stars; one submission).

Conditions:
Peutz-Jeghers syndrome (PJS). Also called: POLYPOSIS, HAMARTOMATOUS INTESTINAL; POLYPS-AND-SPOTS SYNDROME; Peutz-Jeghers polyposis; Periorificial lentiginosis syndrome. Identifiers: Orphanet 2869, MedGen C0031269, MeSH D010580, MONDO:0008280, OMIM 175200.

Submission:

Labcorp Genetics (formerly Invitae), Labcorp
Classification: Pathogenic for Peutz-Jeghers syndrome. Last evaluated: 2023-09-14. Review status: criteria provided, single submitter. Criteria: Invitae Variant Classification Sherloc (09022015). Collection method: clinical testing. Allele origin: germline.
Comment: This sequence change creates a premature translational stop signal (p.Ala241Glyfs*48) in the STK11 gene. It is expected to result in an absent or disrupted protein product. Loss-of-function variants in STK11 are known to be pathogenic (PMID: 15188174, 16287113). For these reasons, this variant has been classified as Pathogenic. This variant has not been reported in the literature in individuals affected with STK11-related conditions. This variant is not present in population databases (gnomAD no frequency).

Literature cited by the submitters: PubMed 15188174; PubMed 16287113.